The following is an entry in ClinVar:

NM_018325.5(C9orf72):c.1200G>C (p.Gln400His)

Gene: C9orf72 (C9orf72-SMCR8 complex subunit; minus strand). Cytogenetic location: 9p21.2.
Variant type: single nucleotide variant.
Coding change: c.1200G>C on transcript NM_018325.5 (MANE Select); coding-DNA position 1200, G replaced by C.
Protein change: p.Gln400His; replaces glutamine 400 with histidine.
Molecular consequence: missense variant.
Genome position (GRCh38, 1-based): chr9:27,548,616, C>G on the plus strand (G>C on the coding strand, the complement: C9orf72 is on the minus strand). VCF-style: chr9-27548616-C-G. GRCh37 (hg19) VCF-style: chr9-27548614-C-G.
Other names: c.1200G>C, p.Gln400His (NM_001256054.3); short protein forms Q400H.
Identifiers: ClinVar variation 2659137 (VCV002659137.24), dbSNP rs2489402700, ClinGen allele CA373136388.
Genomic context (GRCh38, chr9:27,548,616, plus strand): 5'-CGTATCGTCTTCTATATATTTTATTAGTGTCAAGGCTTTTCTGTGAAGGACAAGTAGAAA[C>G]TGTGCAAGGAAAGTACTTCTGAGAGATAAGCCAGGTTTCAGCTGAAAGACCTGCAGGGAG-3'
Protein context (NP_060795.1, residues 390-410): GLSLRSTFLA[Gln400His]FLLVLHRKAL

ClinVar aggregate classification (germline): Uncertain significance (1 of 4 stars; one submission).

Submission:

CeGaT Center for Human Genetics Tuebingen
Classification: Uncertain significance. Last evaluated: 2023-04-01. Review status: criteria provided, single submitter. Criteria: CeGaT Center For Human Genetics Tuebingen Variant Classification Criteria Version 2. Collection method: clinical testing. Allele origin: germline. Affected: yes. Observed: 1 variant allele.
Comment: C9orf72: PM2, BP4